The following is an entry in ClinVar:

ClinVar aggregate classification (germline): Pathogenic. Review status: criteria provided, multiple submitters, no conflicts (2 of 4 stars). 5 submissions from 5 submitters: Pathogenic (4). 1 of the submissions does not count toward it. Last evaluated 2025-04-23.

Conditions:
Hereditary cancer-predisposing syndrome. Also called: Hereditary neoplastic syndrome; Neoplastic Syndromes, Hereditary; Tumor predisposition; Hereditary Cancer Syndrome. Identifiers: Orphanet 140162, MedGen C0027672, MeSH D009386, MONDO:0015356.
Familial cancer of breast. Also called: Hereditary breast cancer; hereditary breast carcinoma; BREAST CANCER, FAMILIAL. Identifiers: Orphanet 227535, MedGen C0346153, MONDO:0016419, OMIM 114480. Disease mechanism: loss of function.
Breast carcinoma. Also called: Carcinoma of breast. Identifiers: MedGen C0678222, MONDO:0004989, HP:0003002.

Submissions (5):

Labcorp Genetics (formerly Invitae), Labcorp
Classification: Pathogenic for Familial cancer of breast. Last evaluated: 2025-04-23. Review status: criteria provided, single submitter. Criteria: Invitae Variant Classification Sherloc (09022015). Collection method: clinical testing. Allele origin: germline.
Comment: This sequence change creates a premature translational stop signal (p.Asn186Lysfs*4) in the PALB2 gene. It is expected to result in an absent or disrupted protein product. Loss-of-function variants in PALB2 are known to be pathogenic (PMID: 17200668, 17200671, 17200672, 24136930, 25099575). This variant is not present in population databases (gnomAD no frequency). This variant has not been reported in the literature in individuals affected with PALB2-related conditions. ClinVar contains an entry for this variant (Variation ID: 410139). For these reasons, this variant has been classified as Pathogenic.

Myriad Genetics, Inc.
Classification: Pathogenic for Familial cancer of breast. Last evaluated: 2023-03-02. Review status: criteria provided, single submitter. Criteria: Myriad Autosomal Dominant, Autosomal Recessive and X-Linked Classification Criteria (2023). Collection method: clinical testing. Allele origin: unknown.
Comment: This variant is considered pathogenic. This variant creates a frameshift predicted to result in premature protein truncation.

Ambry Genetics
Classification: Pathogenic for Hereditary cancer-predisposing syndrome. Last evaluated: 2020-08-07. Review status: criteria provided, single submitter. Criteria: Ambry Variant Classification Scheme 2023. Collection method: clinical testing. Allele origin: germline.
Comment: The c.557dupA pathogenic mutation, located in coding exon 4 of the PALB2 gene, results from a duplication of A at nucleotide position 557, causing a translational frameshift with a predicted alternate stop codon (p.N186Kfs*4). This alteration is expected to result in loss of function by premature protein truncation or nonsense-mediated mRNA decay. As such, this alteration is interpreted as a disease-causing mutation.

Color Diagnostics, LLC DBA Color Health
Classification: Pathogenic for Hereditary cancer-predisposing syndrome. Last evaluated: 2020-01-15. Review status: criteria provided, single submitter. Criteria: ACMG Guidelines, 2015. Collection method: clinical testing. Allele origin: germline.
Comment: This variant inserts 1 nucleotide in exon 4 of the PALB2 gene, creating a frameshift and premature translation stop signal. This variant is expected to result in an absent or non-functional protein product. This variant has not been identified in the general population by the Genome Aggregation Database (gnomAD). Loss of PALB2 function is a known mechanism of disease. Based on the available evidence, this variant is classified as Pathogenic.

Medical Genetics Laboratory, Umraniye Training and Research Hospital, University of Health Sciences
Classification: Likely pathogenic for Breast carcinoma. Last evaluated: 2021-08-08. Review status: no assertion criteria provided. Collection method: clinical testing. Allele origin: germline. Inheritance: Autosomal dominant inheritance. Affected: yes. Observed: 1 variant allele, 1 heterozygote. Not counted in ClinVar's aggregate classification.
Comment: Invasive ductal carcinoma

Literature cited by the submitters: PubMed 17200668 (cited by Labcorp Genetics (formerly Invitae), Labcorp); PubMed 17200671 (cited by Labcorp Genetics (formerly Invitae), Labcorp); PubMed 17200672 (cited by Labcorp Genetics (formerly Invitae), Labcorp); PubMed 24136930 (cited by Labcorp Genetics (formerly Invitae), Labcorp); PubMed 25099575 (cited by Labcorp Genetics (formerly Invitae), Labcorp).

NM_024675.4(PALB2):c.557dup (p.Asn186fs)

Gene: PALB2 (partner and localizer of BRCA2; minus strand). Cytogenetic location: 16p12.2.
Variant type: Duplication.
Coding change: c.557dup on transcript NM_024675.4 (MANE Select); coding-DNA position 557, one base duplicated (A; older notation c.557dupA).
Protein change: p.Asn186fs; shifts the reading frame from asparagine 186.
Molecular consequence: frameshift variant.
Genome position (GRCh38, 1-based): chr16:23,635,989, T duplicated on the plus strand (A on the coding strand, the reverse complement: PALB2 is on the minus strand); the first of 5 consecutive T bases (chr16:23,635,989-23,635,993); duplicating any one gives the same sequence. VCF-style (leftmost placement, unchanged base first): chr16-23635988-A-AT. GRCh37 (hg19) VCF-style: chr16-23647309-A-AT.
Other names: c.557dupA (NM_024675.3); short protein forms N186fs.
Identifiers: ClinVar variation 410139 (VCV000410139.16), dbSNP rs1555461727, ClinGen allele CA16615116.